The following is an entry in ClinVar:

ClinVar aggregate classification (germline): Uncertain significance (1 of 4 stars; one submission).

gnomAD v4.1: 2 of 1,613,618 alleles (0.00012%); highest among the groups gnomAD compares: Non-Finnish European, 0.00017%; no homozygotes.

Submission:

Ambry Genetics
Classification: Uncertain significance. Last evaluated: 2025-01-27. Review status: criteria provided, single submitter. Criteria: Ambry Variant Classification Scheme 2023. Collection method: clinical testing. Allele origin: germline.
Comment: The p.T190S variant (also known as c.568A>T), located in coding exon 5 of the RINT1 gene, results from an A to T substitution at nucleotide position 568. The threonine at codon 190 is replaced by serine, an amino acid with similar properties. This amino acid position is conserved. In addition, this alteration is predicted to be tolerated by in silico analysis. Since supporting evidence is limited at this time, the clinical significance of this alteration remains unclear.

NM_021930.6(RINT1):c.568A>T (p.Thr190Ser)

Gene: RINT1 (RAD50 interactor 1; plus strand). Cytogenetic location: 7q22.3.
Variant type: single nucleotide variant.
Coding change: c.568A>T on transcript NM_021930.6 (MANE Select); coding-DNA position 568, A replaced by T.
Protein change: p.Thr190Ser; replaces threonine 190 with serine.
Molecular consequence: missense variant. On other transcripts: 5 prime UTR variant (2), non-coding transcript variant (1), intron variant (1).
Genome position (GRCh38, 1-based): chr7:105,546,962, A>T. VCF-style: chr7-105546962-A-T. GRCh37 (hg19) VCF-style: chr7-105187409-A-T.
Other names: c.334A>T, p.Thr112Ser (NM_001346599.2); c.-452A>T (NM_001346600.2); c.-355A>T (NM_001346601.2); c.-27-3093A>T (NM_001346603.2); short protein forms T190S, T112S.
Identifiers: ClinVar variation 1749062 (VCV001749062.3), dbSNP rs1271923575, ClinGen allele CA368805371.